The following is an entry in ClinVar:

ClinVar aggregate classification (germline): Uncertain significance. Review status: criteria provided, multiple submitters, no conflicts (2 of 4 stars). 2 submissions from 2 submitters: Uncertain significance (2). Last evaluated 2026-03-30.

Conditions:
Cardiovascular phenotype. Identifiers: MedGen CN230736.
Brugada syndrome 8 (BRGDA8). Identifiers: Orphanet 130, MedGen C2751083, MONDO:0013148, OMIM 613123.

Submissions (2):

Ambry Genetics
Classification: Uncertain significance for Cardiovascular phenotype. Last evaluated: 2026-03-30. Review status: criteria provided, single submitter. Criteria: Ambry Variant Classification Scheme 2023. Collection method: clinical testing. Allele origin: germline.
Comment: The c.2652dupC variant, located in coding exon 8 of the HCN4 gene, results from a duplication of C at nucleotide position 2652, causing a translational frameshift with a predicted alternate stop codon (p.G885Rfs*87). This variant occurs at the 3' terminus of the gene, is not expected to trigger nonsense-mediated mRNA decay, and impacts the last 27% of the protein. The exact functional effect of this variant is unknown. In addition, loss of function has not been established as a mechanism of disease. Based on the available evidence, the clinical significance of this variant remains unclear.

Labcorp Genetics (formerly Invitae), Labcorp
Classification: Uncertain significance for Brugada syndrome 8. Last evaluated: 2025-12-22. Review status: criteria provided, single submitter. Criteria: Invitae Variant Classification Sherloc (09022015). Collection method: clinical testing. Allele origin: germline.
Comment: This sequence change creates a premature translational stop signal (p.Gly885Argfs*87) in the HCN4 gene. While this is not anticipated to result in nonsense mediated decay, it is expected to disrupt the last 319 amino acid(s) of the HCN4 protein. This variant is not present in population databases (gnomAD no frequency). This variant has not been reported in the literature in individuals affected with HCN4-related conditions. ClinVar contains an entry for this variant (Variation ID: 1508662). In summary, the available evidence is currently insufficient to determine the role of this variant in disease. Therefore, it has been classified as a Variant of Uncertain Significance.

NM_005477.3(HCN4):c.2652dup (p.Gly885fs)

Gene: HCN4 (hyperpolarization activated cyclic nucleotide gated potassium channel 4; minus strand). Cytogenetic location: 15q24.1.
Variant type: Duplication.
Coding change: c.2652dup on transcript NM_005477.3 (MANE Select); coding-DNA position 2652, one base duplicated (C; older notation c.2652dupC).
Protein change: p.Gly885fs; shifts the reading frame from glycine 885.
Molecular consequence: frameshift variant.
Genome position (GRCh38, 1-based): chr15:73,323,441, G duplicated on the plus strand (C on the coding strand, the reverse complement: HCN4 is on the minus strand); the first of 6 consecutive G bases (chr15:73,323,441-73,323,446); duplicating any one gives the same sequence. VCF-style (leftmost placement, unchanged base first): chr15-73323440-C-CG. GRCh37 (hg19) VCF-style: chr15-73615781-C-CG.
Other names: c.2652dupC (NM_005477.2); short protein forms G885fs.
Identifiers: ClinVar variation 1508662 (VCV001508662.9), dbSNP rs2151214541, ClinGen allele CA619410590.